The following is an entry in ClinVar:

NM_153717.3(EVC):c.43_44insGTATAAGAGACAG (p.Leu15fs)

Gene: EVC (EvC ciliary complex subunit 1; plus strand). Cytogenetic location: 4p16.2.
Variant type: Insertion.
Coding change: c.43_44insGTATAAGAGACAG on transcript NM_153717.3 (MANE Select); coding-DNA positions 43 to 44, GTATAAGAGACAG inserted.
Protein change: p.Leu15fs; shifts the reading frame from leucine 15.
Molecular consequence: frameshift variant.
Genome position: GRCh38 VCF-style: chr4-5711423-C-CGTATAAGAGACAG. GRCh37 (hg19) VCF-style: chr4-5713150-C-CGTATAAGAGACAG.
Other names: c.43_44insGTATAAGAGACAG, p.Leu15fs (NM_001306090.2, NM_001306092.2); short protein forms L15fs.
Identifiers: ClinVar variation 1726544 (VCV001726544.2), dbSNP rs2474193071, ClinGen allele CA2580070800.
Genomic context (GRCh38, chr4:5,711,423, plus strand): 5'-GCAGCCTGAGCGCCCCGGATGGCCCGCGGCGGGGCGGCCTGCAAGAGCGACGCGCGGCTG[C>CGTATAAGAGACAG]TGCTGGGGCGGGACGCGCTGCGGCCGGCGCCCGCCCTGCTGGCCCCCGCCGTGCTGCTGG-3'

ClinVar aggregate classification (germline): Likely pathogenic (1 of 4 stars; one submission).

Conditions:
Ellis-van Creveld syndrome (EVC). Also called: EVC-Related Ellis-van Creveld Syndrome; EVC2-Related Ellis-van Creveld Syndrome; MESOECTODERMAL DYSPLASIA; Chondroectodermal dysplasia. Identifiers: Orphanet 289, MedGen C0013903, MONDO:0009162, OMIM 225500.

Submission:

Myriad Genetics, Inc.
Classification: Likely pathogenic for Ellis-van Creveld syndrome. Last evaluated: 2021-12-19. Review status: criteria provided, single submitter. Criteria: Myriad Women's Health Autosomal Recessive and X-Linked Classification Criteria (2021). Collection method: clinical testing. Allele origin: unknown.
Comment: NM_153717.2(EVC):c.43_44ins13(L15Rfs*62) is expected to be pathogenic in the context of EVC-related Ellis-van Creveld syndrome. This variant is predicted to lead to an abnormal or absent protein product due to the creation of a premature termination codon in EVC, a gene where loss-of-function variants are known to be pathogenic. Please note: this variant was assessed in the context of healthy population screening.